The following is an entry in ClinVar:

ClinVar aggregate classification (germline): Uncertain significance. Review status: criteria provided, multiple submitters, no conflicts (2 of 4 stars). 2 submissions from 2 submitters: Uncertain significance (2). Last evaluated 2026-05-01.

gnomAD v4.1: 46 of 1,562,466 alleles (0.0029%); highest among the groups gnomAD compares: African/African-American, 0.0041%; no homozygotes.

Submissions (2):

CeGaT Center for Human Genetics Tuebingen
Classification: Uncertain significance. Last evaluated: 2026-05-01. Review status: criteria provided, single submitter. Criteria: CeGaT Center For Human Genetics Tuebingen Variant Classification Criteria Version 2. Collection method: clinical testing. Allele origin: germline. Affected: yes. Observed: 1 variant allele.
Comment: HYDIN: PM2, BP4

Blueprint Genetics
Classification: Uncertain significance. Last evaluated: 2024-09-27. Review status: criteria provided, single submitter. Criteria: ACMG Guidelines, 2015. Collection method: clinical testing. Allele origin: germline.

NM_001270974.2(HYDIN):c.7276G>A (p.Asp2426Asn)

Gene: HYDIN (HYDIN axonemal central pair apparatus protein; minus strand). Cytogenetic location: 16q22.2.
Variant type: single nucleotide variant.
Coding change: c.7276G>A on transcript NM_001270974.2 (MANE Select); coding-DNA position 7276, G replaced by A.
Protein change: p.Asp2426Asn; replaces aspartic acid 2426 with asparagine.
Molecular consequence: missense variant.
Genome position (GRCh38, 1-based): chr16:70,921,100, C>T on the plus strand (G>A on the coding strand, the complement: HYDIN is on the minus strand). VCF-style: chr16-70921100-C-T. GRCh37 (hg19) VCF-style: chr16-70955003-C-T.
Other names: short protein forms D2426N.
Identifiers: ClinVar variation 4872701 (VCV004872701.3).
Genomic context (GRCh38, chr16:70,921,100, plus strand): 5'-AGTTGTCCCCTTCACTGTCCTCTTGGTCCTGGACAAGAGGAAGCCCATGCATGCTGACAT[C>T]GCCCATGTTCCTTTTCTTCTTATTTAGCTCTTCCTTCTCAGACATTGTTTGTTCCCTAAC-3'
Protein context (NP_001257903.1, residues 2416-2436): ELNKKKRNMG[Asp2426Asn]VSMHGLPLVQ